The following is an entry in ClinVar:

ClinVar aggregate classification (germline): Likely benign. Review status: criteria provided, multiple submitters, no conflicts (2 of 4 stars). 3 submissions from 3 submitters: Likely benign (3). Last evaluated 2024-11-25.

Allele frequency attached by ClinVar (database versions not stated): 1000 Genomes Project 0.00060; 1000 Genomes Project 30x 0.00062; ExAC 0.00064; TOPMed 0.00074; gnomAD exomes 0.00075; gnomAD 0.00081 and 0.00082; ESP Exome Variant Server 0.00115.
gnomAD v4.1: 1,821 of 1,613,340 alleles (0.11%); highest among the groups gnomAD compares: Middle Eastern, 0.56%; 1 homozygote.

Submissions (3):

Blueprint Genetics
Classification: Likely benign. Last evaluated: 2024-11-25. Review status: criteria provided, single submitter. Criteria: ACMG Guidelines, 2015. Collection method: clinical testing. Allele origin: germline.

CeGaT Center for Human Genetics Tuebingen
Classification: Likely benign. Last evaluated: 2024-07-01. Review status: criteria provided, single submitter. Criteria: CeGaT Center For Human Genetics Tuebingen Variant Classification Criteria Version 2. Collection method: clinical testing. Allele origin: germline. Affected: yes. Observed: 2 variant alleles.
Comment: LIPE: BP4, BP7

Genetic Services Laboratory, University of Chicago
Classification: Likely benign. Last evaluated: 2016-10-03. Review status: criteria provided, single submitter. Criteria: ACMG Guidelines, 2015. Collection method: clinical testing. Allele origin: germline. Affected: no.

NM_005357.4(LIPE):c.1113C>T (p.Asn371=)

Genes: LIPE (lipase E, hormone sensitive type; minus strand), LIPE-AS1 (LIPE antisense RNA 1; plus strand). Cytogenetic location: 19q13.2.
Variant type: single nucleotide variant.
Coding change: c.1113C>T on transcript NM_005357.4 (MANE Select); coding-DNA position 1113, C replaced by T.
Protein change: p.Asn371=; no amino-acid change (asparagine 371 retained).
Molecular consequence: synonymous variant.
Genome position (GRCh38, 1-based): chr19:42,410,613, G>A on the plus strand (C>T on the coding strand, the complement: LIPE is on the minus strand). VCF-style: chr19-42410613-G-A. GRCh37 (hg19) VCF-style: chr19-42914765-G-A.
Identifiers: ClinVar variation 435765 (VCV000435765.31), dbSNP rs34623222, ClinGen allele CA9477142.